The following is an entry in ClinVar:

ClinVar aggregate classification (germline): Uncertain significance (1 of 4 stars; one submission).

Conditions:
Inborn genetic diseases. Identifiers: MedGen C0950123, MeSH D030342.

Allele frequency attached by ClinVar (database versions not stated): TOPMed below 0.00001.

Submission:

Ambry Genetics
Classification: Uncertain significance for Inborn genetic diseases. Last evaluated: 2022-09-28. Review status: criteria provided, single submitter. Criteria: Ambry Variant Classification Scheme 2023. Collection method: clinical testing. Allele origin: germline.
Comment: The p.D732H variant (also known as c.2194G>C), located in coding exon 23 of the ERCC2 gene, results from a G to C substitution at nucleotide position 2194. The aspartic acid at codon 732 is replaced by histidine, an amino acid with similar properties. This amino acid position is conserved. In addition, the in silico prediction for this alteration is inconclusive. Since supporting evidence is limited at this time, the clinical significance of this alteration remains unclear.

NM_000400.4(ERCC2):c.2194G>C (p.Asp732His)

Gene: ERCC2 (ERCC excision repair 2, TFIIH core complex helicase subunit; minus strand). Cytogenetic location: 19q13.32.
Variant type: single nucleotide variant.
Coding change: c.2194G>C on transcript NM_000400.4 (MANE Select); coding-DNA position 2194, G replaced by C.
Protein change: p.Asp732His; replaces aspartic acid 732 with histidine.
Molecular consequence: missense variant.
Genome position (GRCh38, 1-based): chr19:45,351,718, C>G on the plus strand (G>C on the coding strand, the complement: ERCC2 is on the minus strand). VCF-style: chr19-45351718-C-G. GRCh37 (hg19) VCF-style: chr19-45854976-C-G.
Other names: short protein forms D732H.
Identifiers: ClinVar variation 1787468 (VCV001787468.2), dbSNP rs1971788131, ClinGen allele CA406360621.